The following is an entry in ClinVar:

ClinVar aggregate classification (germline): Pathogenic. Review status: reviewed by expert panel (3 of 4 stars). 4 submissions from 4 submitters: Pathogenic (1). 3 of the submissions do not count toward it. Last evaluated 2026-09-26.

Conditions:
RPGR-related retinopathy. Also called: RPGR retinopathy. Identifiers: MedGen CN305589, MONDO:0100437.

Submissions (4):

ClinGen X-linked Inherited Retinal Disease Variant Curation Expert Panel, ClinGen
Classification: Pathogenic for RPGR-related retinopathy. Last evaluated: 2026-09-26. Review status: reviewed by expert panel. Criteria: ClinGen X LinkedIRD ACMG Specifications RPGR V1.0.0. Collection method: curation. Allele origin: germline. Inheritance: X-linked inheritance.
Comment: The NM_001034853.2(RPGR):c.155-2A>G variant is a canonical splice site variant in intron 2, located 2 nucleotides before exon 3. This variant occurs at a canonical splice site in intron 2 and is predicted to disrupt splicing and induce skipping of exon 3, which is expected to disrupt a critical functional domain in RPGR (PVS1). This variant is absent from hemizygous individuals in gnomAD v4.1.0 (PM2_Supporting). This variant has been reported in at least 1 proband meeting the PS4 requirement of a male with some functional vision impairment by age 30 and/or decreased or absent ERG responses, or a female with functional visual abnormality and documentation of a male relative affected with retinitis pigmentosa (PMIDs: 10482958, 23150612, 33372982). PS4_Supporting requires at least 2 unrelated probands, so this criterion was not met. The variant has been reported to segregate through at least 3 meioses in one family (PP1_moderate; PMIDs: 10482958, 33372982). In summary, this variant is classified as pathogenic for RPGR-related retinopathy based on the ClinGen X-linked Inherited Retinal Disease Expert Panel Specifications to the ACMG/AMP Variant Interpretation Guidelines for RPGR Version 1.0.0: PVS1, PM2_Supporting, and PP1_Moderate.

PreventionGenetics, part of Exact Sciences
Classification: Pathogenic. Last evaluated: 2017-12-29. Review status: criteria provided, single submitter. Criteria: ACMG Guidelines, 2015. Collection method: clinical testing. Allele origin: germline. Not counted in ClinVar's aggregate classification.

Eurofins Ntd Llc (ga)
Classification: Pathogenic. Last evaluated: 2013-07-01. Review status: criteria provided, single submitter. Criteria: EGL Classification Definitions. Collection method: clinical testing. Allele origin: germline. Observed: 1 variant allele, 1 heterozygote. Not counted in ClinVar's aggregate classification.

Retina International
No classification provided. Review status: no classification provided. Collection method: not provided. Allele origin: not provided. Not counted in ClinVar's aggregate classification.

NM_001034853.2(RPGR):c.155-2A>G

Gene: RPGR (retinitis pigmentosa GTPase regulator; minus strand). Cytogenetic location: Xp11.4.
Variant type: single nucleotide variant.
Coding change: c.155-2A>G on transcript NM_001034853.2 (MANE Select); the canonical splice acceptor site of the intron before coding-DNA position 155, A replaced by G.
Molecular consequence: splice acceptor variant.
Genome position (GRCh38, 1-based): chrX:38,322,947, T>C on the plus strand (A>G on the coding strand, the complement: RPGR is on the minus strand). VCF-style: chrX-38322947-T-C. GRCh37 (hg19) VCF-style: chrX-38182200-T-C.
Other names: c.155-2A>G (NM_001367249.1, NM_001367250.1, NM_001367245.1 and 4 more transcripts); c.185-2A>G (NM_001367248.1).
Identifiers: ClinVar variation 92851 (VCV000092851.9), dbSNP rs62638632, ClinGen allele CA220673.